The following is an entry in ClinVar:

ClinVar aggregate classification (germline): Uncertain significance (1 of 4 stars; one submission).

Conditions:
Tuberous sclerosis 2 (TSC2). Identifiers: Orphanet 805, MedGen C1860707, MONDO:0013199, OMIM 613254.

Submission:

Labcorp Genetics (formerly Invitae), Labcorp
Classification: Uncertain significance for Tuberous sclerosis 2. Last evaluated: 2024-07-03. Review status: criteria provided, single submitter. Criteria: Invitae Variant Classification Sherloc (09022015). Collection method: clinical testing. Allele origin: germline.
Comment: This sequence change creates a premature translational stop signal (p.Asn958Glufs*2) in the TSC2 gene. Loss-of-function variants in TSC2 are known to be pathogenic (PMID: 10205261, 17304050). However, tissue-specific alternative splicing of TSC2 gene results in a functional isoform lacking in-frame exon 26 (also known as exon 25, PMID: 26703369). For this reason the clinical significance of loss of function variants in exon 26 is currently uncertain. This variant is not present in population databases (gnomAD no frequency). This variant has not been reported in the literature in individuals affected with TSC2-related conditions. Algorithms developed to predict the effect of sequence changes on RNA splicing suggest that this variant may disrupt the consensus splice site. In summary, the available evidence is currently insufficient to determine the role of this variant in disease. Therefore, it has been classified as a Variant of Uncertain Significance.

Literature cited by the submitters: PubMed 10205261; PubMed 17304050.

NM_000548.5(TSC2):c.2871dup (p.Asn958fs)

Gene: TSC2 (TSC complex subunit 2; plus strand). Cytogenetic location: 16p13.3.
Variant type: Duplication.
Coding change: c.2871dup on transcript NM_000548.5 (MANE Select); coding-DNA position 2871, one base duplicated (G; older notation c.2871dupG).
Protein change: p.Asn958fs; shifts the reading frame from asparagine 958.
Molecular consequence: frameshift variant. On other transcripts: intron variant (31).
Genome position (GRCh38, 1-based): chr16:2,077,631, G duplicated. VCF-style (leftmost placement, unchanged base first): chr16-2077630-T-TG. GRCh37 (hg19) VCF-style: chr16-2127631-T-TG.
Other names: c.2724dup, p.Asn909fs (NM_001406676.1, NM_001406675.1); c.2271dup, p.Asn758fs (NM_001406680.1, NM_001406682.1, NM_001406683.1 and 1 more transcripts); c.1527dup, p.Asn510fs (NM_001406689.1); c.1493+1046dup (NM_001406693.1, NM_001406690.1, NM_001406692.1 and 5 more transcripts); c.2927+1046dup (NM_001406667.1, NM_001406668.1); c.2237+1046dup (NM_001406687.1, NM_001406685.1, NM_001318831.2 and 2 more transcripts); c.2871dup, p.Asn958fs (NM_001114382.3, NM_001406663.1, NM_001406664.1); c.2760dup, p.Asn921fs (NM_001406670.1); and 8 more; short protein forms N909fs, N758fs, N921fs, N510fs, N958fs.
Identifiers: ClinVar variation 3658619 (VCV003658619.2).